The following is an entry in ClinVar:

NM_001042646.3(TRAK1):c.334A>G (p.Ile112Val)

Gene: TRAK1 (trafficking kinesin protein 1; plus strand). Cytogenetic location: 3p22.1.
Variant type: single nucleotide variant.
Coding change: c.334A>G on transcript NM_001042646.3 (MANE Select); coding-DNA position 334, A replaced by G.
Protein change: p.Ile112Val; replaces isoleucine 112 with valine.
Molecular consequence: missense variant. On other transcripts: non-coding transcript variant (1).
Genome position (GRCh38, 1-based): chr3:42,176,861, A>G. VCF-style: chr3-42176861-A-G. GRCh37 (hg19) VCF-style: chr3-42218353-A-G.
Other names: c.22A>G, p.Ile8Val (NM_001349245.1); c.334A>G, p.Ile112Val (NM_001349246.2, NM_001349247.2, NM_001265608.2); c.112A>G, p.Ile38Val (NM_001349248.1, NM_001349249.1, NM_001265609.2 and 1 more transcripts); c.160A>G, p.Ile54Val (NM_001410741.1, NM_014965.5); short protein forms I112V, I38V, I54V, I8V.
Identifiers: ClinVar variation 3181821 (VCV003181821.3), dbSNP rs764490967, ClinGen allele CA2333060.

ClinVar aggregate classification (germline): Uncertain significance. Review status: criteria provided, multiple submitters, no conflicts (2 of 4 stars). 2 submissions from 2 submitters: Uncertain significance (2). Last evaluated 2024-10-14.

Conditions:
Inborn genetic diseases. Identifiers: MedGen C0950123, MeSH D030342.

Allele frequency attached by ClinVar (database versions not stated): gnomAD exomes 0.00001; TOPMed 0.00001; ExAC 0.00002.
gnomAD v4.1: 9 of 1,614,162 alleles (0.00056%); highest among the groups gnomAD compares: Admixed American, 0.0017%; no homozygotes.

Submissions (2):

Labcorp Genetics (formerly Invitae), Labcorp
Classification: Uncertain significance. Last evaluated: 2024-10-14. Review status: criteria provided, single submitter. Criteria: Invitae Variant Classification Sherloc (09022015). Collection method: clinical testing. Allele origin: germline.
Comment: This sequence change replaces isoleucine, which is neutral and non-polar, with valine, which is neutral and non-polar, at codon 112 of the TRAK1 protein (p.Ile112Val). This variant is present in population databases (rs764490967, gnomAD 0.003%). This variant has not been reported in the literature in individuals affected with TRAK1-related conditions. An algorithm developed to predict the effect of missense changes on protein structure and function (PolyPhen-2) suggests that this variant is likely to be tolerated. In summary, the available evidence is currently insufficient to determine the role of this variant in disease. Therefore, it has been classified as a Variant of Uncertain Significance.

Ambry Genetics
Classification: Uncertain significance for Inborn genetic diseases. Last evaluated: 2024-01-09. Review status: criteria provided, single submitter. Criteria: Ambry Variant Classification Scheme 2023. Collection method: clinical testing. Allele origin: germline.